The following is an entry in ClinVar:

NM_005726.6(TSFM):c.113C>T (p.Pro38Leu)

Gene: TSFM (Ts translation elongation factor, mitochondrial; plus strand). Cytogenetic location: 12q14.1.
Variant type: single nucleotide variant.
Coding change: c.113C>T on transcript NM_005726.6 (MANE Select); coding-DNA position 113, C replaced by T.
Protein change: p.Pro38Leu; replaces proline 38 with leucine.
Molecular consequence: missense variant.
Genome position (GRCh38, 1-based): chr12:57,783,165, C>T. VCF-style: chr12-57783165-C-T. GRCh37 (hg19) VCF-style: chr12-58176948-C-T.
Other names: c.113C>T, p.Pro38Leu (NM_001172695.2, NM_001172696.2, NM_001172697.2); c.113C>T (NM_001172696.1); short protein forms P38L.
Identifiers: ClinVar variation 2073200 (VCV002073200.3), dbSNP rs372416778, ClinGen allele CA6659222.
Genomic context (GRCh38, chr12:57,783,165, plus strand): 5'-TCTAGGCTGGGTCTCTTCTGCGTCAGTCGCCCCAGCCAAGGCACACATTTTATGCTGGGC[C>T]CCGTCTGTCTGCCTCGGCCTCCAGCAAGGAGCTCCTCATGAAGCTGCGGCGGAAAACAGG-3'
Protein context (NP_005717.3, residues 28-48): PQPRHTFYAG[Pro38Leu]RLSASASSKE

ClinVar aggregate classification (germline): Uncertain significance. Review status: criteria provided, multiple submitters, no conflicts (2 of 4 stars). 3 submissions from 3 submitters: Uncertain significance (3). Last evaluated 2024-12-11.

Conditions:
Inborn genetic diseases. Identifiers: MedGen C0950123, MeSH D030342.

Allele frequency attached by ClinVar (database versions not stated): ExAC 0.00002; ESP Exome Variant Server 0.00008.
gnomAD v4.1: 31 of 1,613,154 alleles (0.0019%); highest among the groups gnomAD compares: African/African-American, 0.039%; no homozygotes.

Submissions (3):

Ambry Genetics
Classification: Uncertain significance for Inborn genetic diseases. Last evaluated: 2024-12-11. Review status: criteria provided, single submitter. Criteria: Ambry Variant Classification Scheme 2023. Collection method: clinical testing. Allele origin: germline.

GeneDx
Classification: Uncertain significance. Last evaluated: 2024-08-27. Review status: criteria provided, single submitter. Criteria: GeneDx Variant Classification Process June 2021. Collection method: clinical testing. Allele origin: germline. Affected: yes.
Comment: In silico analysis indicates that this missense variant does not alter protein structure/function; Has not been previously published as pathogenic or benign to our knowledge

Labcorp Genetics (formerly Invitae), Labcorp
Classification: Uncertain significance. Last evaluated: 2022-08-19. Review status: criteria provided, single submitter. Criteria: Invitae Variant Classification Sherloc (09022015). Collection method: clinical testing. Allele origin: germline.
Comment: This sequence change replaces proline, which is neutral and non-polar, with leucine, which is neutral and non-polar, at codon 38 of the TSFM protein (p.Pro38Leu). This variant is present in population databases (rs372416778, gnomAD 0.02%). This variant has not been reported in the literature in individuals affected with TSFM-related conditions. Algorithms developed to predict the effect of missense changes on protein structure and function (SIFT, PolyPhen-2, Align-GVGD) all suggest that this variant is likely to be tolerated. In summary, the available evidence is currently insufficient to determine the role of this variant in disease. Therefore, it has been classified as a Variant of Uncertain Significance.